The following is an entry in ClinVar:

ClinVar aggregate classification (germline): Likely benign (1 of 4 stars; one submission).

Allele frequency attached by ClinVar (database versions not stated): ESP Exome Variant Server 0.00008; gnomAD exomes below 0.00001; TOPMed below 0.00001; ExAC 0.00001.
gnomAD v4.1: 12 of 1,613,004 alleles (0.00074%); highest among the groups gnomAD compares: Non-Finnish European, 0.001%; no homozygotes.

Submission:

GeneDx
Classification: Likely benign. Last evaluated: 2018-01-16. Review status: criteria provided, single submitter. Criteria: GeneDx Variant Classification (06012015). Collection method: clinical testing. Allele origin: germline. Affected: yes.
Comment: This variant is considered likely benign or benign based on one or more of the following criteria: it is a conservative change, it occurs at a poorly conserved position in the protein, it is predicted to be benign by multiple in silico algorithms, and/or has population frequency not consistent with disease.

NM_144670.6(A2ML1):c.-16T>C

Genes: A2ML1 (alpha-2-macroglobulin like 1; plus strand), A2ML1-AS1 (A2ML1 antisense RNA 1; minus strand). Cytogenetic location: 12p13.31.
Variant type: single nucleotide variant.
Coding change: c.-16T>C on transcript NM_144670.6 (MANE Select); 16 bases upstream of the start codon, T replaced by C.
Molecular consequence: 5 prime UTR variant.
Genome position (GRCh38, 1-based): chr12:8,822,636, T>C. VCF-style: chr12-8822636-T-C. GRCh37 (hg19) VCF-style: chr12-8975232-T-C.
Identifiers: ClinVar variation 514943 (VCV000514943.1), dbSNP rs369625679, ClinGen allele CA6435127.